The following is an entry in ClinVar:

NM_006766.5(KAT6A):c.4444C>T (p.Pro1482Ser)

Gene: KAT6A (lysine acetyltransferase 6A; minus strand). Cytogenetic location: 8p11.21.
Variant type: single nucleotide variant.
Coding change: c.4444C>T on transcript NM_006766.5 (MANE Select); coding-DNA position 4444, C replaced by T.
Protein change: p.Pro1482Ser; replaces proline 1482 with serine.
Molecular consequence: missense variant.
Genome position (GRCh38, 1-based): chr8:41,933,776, G>A on the plus strand (C>T on the coding strand, the complement: KAT6A is on the minus strand). VCF-style: chr8-41933776-G-A. GRCh37 (hg19) VCF-style: chr8-41791294-G-A.
Other names: short protein forms P1482S.
Identifiers: ClinVar variation 2503241 (VCV002503241.3), dbSNP rs767163478, ClinGen allele CA4729485.

ClinVar aggregate classification (germline): Conflicting classifications of pathogenicity. Review status: criteria provided, conflicting classifications (1 of 4 stars). 3 submissions from 3 submitters: Uncertain significance (1); Likely benign (2). Last evaluated 2025-08-11.

Conditions:
Inborn genetic diseases. Identifiers: MedGen C0950123, MeSH D030342.

Allele frequency attached by ClinVar (database versions not stated): gnomAD exomes below 0.00001; ExAC 0.00002.
gnomAD v4.1: 7 of 1,614,072 alleles (0.00043%); highest among the groups gnomAD compares: East Asian, 0.0022%; no homozygotes.

Submissions (3):

Ambry Genetics
Classification: Likely benign for Inborn genetic diseases. Last evaluated: 2025-08-11. Review status: criteria provided, single submitter. Criteria: Ambry Variant Classification Scheme 2023. Collection method: clinical testing. Allele origin: germline.

GeneDx
Classification: Uncertain significance. Last evaluated: 2022-11-23. Review status: criteria provided, single submitter. Criteria: GeneDx Variant Classification Process June 2021. Collection method: clinical testing. Allele origin: germline. Affected: yes.
Comment: In silico analysis supports that this missense variant has a deleterious effect on protein structure/function; Has not been previously published as pathogenic or benign to our knowledge

Blueprint Genetics
Classification: Likely benign. Last evaluated: 2022-11-18. Review status: criteria provided, single submitter. Criteria: ACMG Guidelines, 2015. Collection method: clinical testing. Allele origin: germline.